The following is an entry in ClinVar:

NM_058216.3(RAD51C):c.198A>T (p.Arg66Ser)

Gene: RAD51C (RAD51 paralog C; plus strand). Cytogenetic location: 17q22.
Variant type: single nucleotide variant.
Coding change: c.198A>T on transcript NM_058216.3 (MANE Select); coding-DNA position 198, A replaced by T.
Protein change: p.Arg66Ser; replaces arginine 66 with serine.
Molecular consequence: missense variant. On other transcripts: non-coding transcript variant (2).
Genome position (GRCh38, 1-based): chr17:58,694,983, A>T. VCF-style: chr17-58694983-A-T. GRCh37 (hg19) VCF-style: chr17-56772344-A-T.
Other names: c.198A>T, p.Arg66Ser (NM_002876.4); short protein forms R66S.
Identifiers: ClinVar variation 409835 (VCV000409835.8), dbSNP rs1060502585, ClinGen allele CA16615441.

ClinVar aggregate classification (germline): Uncertain significance (1 of 4 stars; one submission).

Conditions:
Fanconi anemia complementation group O. Also called: RAD51C-Related Fanconi Anemia. Identifiers: Orphanet 84, MedGen C3150653, MONDO:0013248, OMIM 613390.

Allele frequency attached by ClinVar (database versions not stated): gnomAD exomes below 0.00001.
gnomAD v4.1: 2 of 1,614,178 alleles (0.00012%); no homozygotes.

Submission:

Labcorp Genetics (formerly Invitae), Labcorp
Classification: Uncertain significance for Fanconi anemia complementation group O. Last evaluated: 2023-11-24. Review status: criteria provided, single submitter. Criteria: Invitae Variant Classification Sherloc (09022015). Collection method: clinical testing. Allele origin: germline.
Comment: This sequence change replaces arginine, which is basic and polar, with serine, which is neutral and polar, at codon 66 of the RAD51C protein (p.Arg66Ser). This variant is not present in population databases (gnomAD no frequency). This variant has not been reported in the literature in individuals affected with RAD51C-related conditions. ClinVar contains an entry for this variant (Variation ID: 409835). Advanced modeling of protein sequence and biophysical properties (such as structural, functional, and spatial information, amino acid conservation, physicochemical variation, residue mobility, and thermodynamic stability) performed at Invitae indicates that this missense variant is not expected to disrupt RAD51C protein function with a negative predictive value of 80%. In summary, the available evidence is currently insufficient to determine the role of this variant in disease. Therefore, it has been classified as a Variant of Uncertain Significance.